The following is an entry in ClinVar:

ClinVar aggregate classification (germline): Pathogenic. Review status: criteria provided, multiple submitters, no conflicts (2 of 4 stars). 3 submissions from 2 submitters: Pathogenic (2). 1 of the submissions does not count toward it. Last evaluated 2018-07-02.

Conditions:
Familial adenomatous polyposis 1 (FAP1). Also called: FAMILIAL ADENOMATOUS POLYPOSIS 1, ATTENUATED; POLYPOSIS, ADENOMATOUS INTESTINAL. Identifiers: MedGen C2713442, MONDO:0021056, OMIM 175100. Disease mechanism: loss of function.

Submissions (3):

Mendelics
Classification: Pathogenic for Familial adenomatous polyposis 1. Last evaluated: 2018-07-02. Review status: criteria provided, single submitter. Criteria: Mendelics Assertion Criteria 2017. Collection method: clinical testing. Allele origin: unknown.

Labcorp Genetics (formerly Invitae), Labcorp
Classification: Pathogenic for Familial adenomatous polyposis 1. Last evaluated: 2015-08-31. Review status: criteria provided, single submitter. Criteria: Invitae Variant Classification Sherloc (09022015). Collection method: clinical testing. Allele origin: germline.
Comment: For these reasons, this variant has been classified as Pathogenic. While this particular sequence change has not been reported in the literature, truncating sequence changes in APC are known to be pathogenic (PMID: 20685668, 17963004). This sequence change deletes 1 nucleotide in exon 8 of the APC mRNA (c.791delA), causing a frameshift at codon 265. This creates a premature translational stop signal (p.Gly265Glufs*28) and is expected to result in an absent or disrupted protein product.

Labcorp Genetics (formerly Invitae), Labcorp
Classification: Pathogenic for Familial adenomatous polyposis 1. Last evaluated: 2015-08-31. Review status: flagged submission. Criteria: Invitae Variant Classification Sherloc (09022015). Collection method: clinical testing. Allele origin: germline. Not counted in ClinVar's aggregate classification.
Comment: This sequence change deletes 1 nucleotide in exon 8 of the APC mRNA (c.791delA), causing a frameshift at codon 265. This creates a premature translational stop signal (p.Gly265Glufs*28) and is expected to result in an absent or disrupted protein product. While this particular sequence change has not been reported in the literature, truncating sequence changes in APC are known to be pathogenic (PMID: 20685668, 17963004). For these reasons, this variant has been classified as Pathogenic.
ClinVar note: Reason: This record appears to be redundant with a more recent record from the same submitter.
ClinVar note: Notes: SCV000253734 appears to be redundant with SCV002153302.

Literature cited by the submitters: PubMed 20685668 (cited by Labcorp Genetics (formerly Invitae), Labcorp); PubMed 17963004 (cited by Labcorp Genetics (formerly Invitae), Labcorp).

NM_000038.5(APC):c.792del (p.Gly265Glufs)

Gene: APC (APC regulator of Wnt signaling pathway; plus strand). Cytogenetic location: 5q22.2.
Variant type: Deletion.
Coding change: c.792del on transcript NM_000038.5; coding-DNA position 792, one base deleted (A; older notation c.792delA).
Protein change: p.Gly265Glufs; shifts the reading frame from glycine 265.
Molecular consequence: frameshift variant (on NM_000038.6). On other transcripts: 5 prime UTR variant (1).
Genome position (GRCh38, 1-based): chr5:112,801,341, A deleted; the last of 2 consecutive A bases (chr5:112,801,340-112,801,341); deleting either gives the same sequence. VCF-style (leftmost placement, unchanged base first): chr5-112801339-CA-C. GRCh37 (hg19) VCF-style: chr5-112137036-CA-C.
Other names: c.792del, p.Gly265fs (NM_000038.6, NM_001127510.3, NM_001354895.2 and 2 more transcripts); c.738del, p.Gly247fs (NM_001127511.3); c.822del, p.Gly275fs (NM_001354897.2, NM_001354902.2); c.717del, p.Gly240fs (NM_001354898.2, NM_001354904.2); c.708del, p.Gly237fs (NM_001354899.2); c.615del, p.Gly206fs (NM_001354900.2, NM_001354901.2, NM_001354905.2); c.-244del (NM_001354906.2); c.791delA (NM_000038.5); short protein forms G237fs, G240fs, G247fs, G265fs, G275fs, G206fs.
Identifiers: ClinVar variation 216018 (VCV000216018.7), dbSNP rs863224459, ClinGen allele CA337382.
Genomic context (GRCh38, chr5:112,801,339, plus strand): 5'-AGGTCATCTCAGAACAAGCATGAAACCGGCTCACATGATGCTGAGCGGCAGAATGAAGGT[CA>C]AGGAGTGGGAGAAATCAACATGGCAACTTCTGGTAATGGTCAGGTAAATAAATTATTTTA-3'